The following is an entry in ClinVar:

NM_000218.3(KCNQ1):c.1514+33613G>A

Genes: KCNQ1 (potassium voltage-gated channel subfamily Q member 1; plus strand), KCNQ1OT1 (KCNQ1 opposite strand/antisense transcript 1; minus strand). Cytogenetic location: 11p15.5.
Variant type: single nucleotide variant.
Coding change: c.1514+33613G>A on transcript NM_000218.3 (MANE Select); 33613 bases into the intron after coding-DNA position 1514, G replaced by A.
Molecular consequence: intron variant. On other transcripts: non-coding transcript variant (1).
Genome position (GRCh38, 1-based): chr11:2,695,694, G>A. VCF-style: chr11-2695694-G-A. GRCh37 (hg19) VCF-style: chr11-2716924-G-A.
Other names: c.1133+33613G>A (NM_181798.2); c.1244+33613G>A (NM_001406837.1); c.1418+33613G>A (NM_001406836.1); c.974+33613G>A (NM_001406838.1).
Identifiers: ClinVar variation 2641495 (VCV002641495.24), dbSNP rs537056525, ClinGen allele CA216195830.
Genomic context (GRCh38, chr11:2,695,694, plus strand): 5'-CTGGGCCACAGGTATAAAATATTTTATTTGAGGAAGAAGTGTTGGCCAGCTCTTCAGAAC[G>A]TCTGTGCCTGTCTCCGTCCCCACCTGCAGCACACAGGGAGGCTTGTTCCTTGCCTTCTGC-3'

ClinVar aggregate classification (germline): Benign (1 of 4 stars; one submission).

Allele frequency attached by ClinVar (database versions not stated): TOPMed 0.00009; gnomAD 0.00019; gnomAD exomes 0.00019; 1000 Genomes Project 0.00100; 1000 Genomes Project 30x 0.00172.
gnomAD v4.1: 84 of 398,652 alleles (0.021%); highest among the groups gnomAD compares: South Asian, 0.25%; 2 homozygotes.

Submission:

CeGaT Center for Human Genetics Tuebingen
Classification: Benign. Last evaluated: 2026-02-01. Review status: criteria provided, single submitter. Criteria: CeGaT Center For Human Genetics Tuebingen Variant Classification Criteria Version 2. Collection method: clinical testing. Allele origin: germline. Affected: yes. Observed: 8 variant alleles.
Comment: KCNQ1OT1: BS1, BS2